The following is an entry in ClinVar:

NM_002890.3(RASA1):c.43A>G (p.Thr15Ala)

Gene: RASA1 (RAS p21 protein activator 1; plus strand). Cytogenetic location: 5q14.3.
Variant type: single nucleotide variant.
Coding change: c.43A>G on transcript NM_002890.3 (MANE Select); coding-DNA position 43, A replaced by G.
Protein change: p.Thr15Ala; replaces threonine 15 with alanine.
Molecular consequence: missense variant.
Genome position (GRCh38, 1-based): chr5:87,268,494, A>G. VCF-style: chr5-87268494-A-G. GRCh37 (hg19) VCF-style: chr5-86564311-A-G.
Other names: short protein forms T15A.
Identifiers: ClinVar variation 2170666 (VCV002170666.4), dbSNP rs1426539498, ClinGen allele CA360416669.

ClinVar aggregate classification (germline): Uncertain significance (1 of 4 stars; one submission).

Conditions:
Capillary malformation-arteriovenous malformation syndrome. Also called: Capillary malformation-arteriovenous malformation. Identifiers: Orphanet 137667, MedGen C1842180, MONDO:0012016.

Allele frequency attached by ClinVar (database versions not stated): gnomAD exomes below 0.00001.
gnomAD v4.1: 2 of 1,558,308 alleles (0.00013%); highest among the groups gnomAD compares: Non-Finnish European, 0.00017%; no homozygotes.

Submission:

Labcorp Genetics (formerly Invitae), Labcorp
Classification: Uncertain significance for Capillary malformation-arteriovenous malformation syndrome. Last evaluated: 2025-10-02. Review status: criteria provided, single submitter. Criteria: Invitae Variant Classification Sherloc (09022015). Collection method: clinical testing. Allele origin: germline.
Comment: This sequence change replaces threonine, which is neutral and polar, with alanine, which is neutral and non-polar, at codon 15 of the RASA1 protein (p.Thr15Ala). The frequency data for this variant in the population databases is considered unreliable, as metrics indicate poor data quality at this position in the gnomAD database. This variant has not been reported in the literature in individuals affected with RASA1-related conditions. ClinVar contains an entry for this variant (Variation ID: 2170666). An algorithm developed to predict the effect of missense changes on protein structure and function outputs the following: PolyPhen-2: "Benign". The alanine amino acid residue is found in multiple mammalian species, which suggests that this missense change does not adversely affect protein function. In summary, the available evidence is currently insufficient to determine the role of this variant in disease. Therefore, it has been classified as a Variant of Uncertain Significance.